The following is an entry in ClinVar:

ClinVar aggregate classification (germline): Uncertain significance (1 of 4 stars; one submission).

Conditions:
Osteogenesis imperfecta type I (OI1). Also called: OI, TYPE I; OSTEOGENESIS IMPERFECTA TARDA; OSTEOGENESIS IMPERFECTA WITH BLUE SCLERAE; Lobstein's Disease; Osteogenesis imperfecta type 1; Classic Non-deforming Osteogenesis Imperfecta with Blue Sclerae. Identifiers: Orphanet 216796, Orphanet 666, MedGen C0023931, MONDO:0008146, OMIM 166200. Disease mechanism: loss of function.

Submission:

Labcorp Genetics (formerly Invitae), Labcorp
Classification: Uncertain significance for Osteogenesis imperfecta type I. Last evaluated: 2025-04-16. Review status: criteria provided, single submitter. Criteria: Invitae Variant Classification Sherloc (09022015). Collection method: clinical testing. Allele origin: germline.
Comment: This sequence change replaces proline, which is neutral and non-polar, with leucine, which is neutral and non-polar, at codon 1126 of the COL1A1 protein (p.Pro1126Leu). This variant is not present in population databases (gnomAD no frequency). This variant has not been reported in the literature in individuals affected with COL1A1-related conditions. Invitae Evidence Modeling of protein sequence and biophysical properties (such as structural, functional, and spatial information, amino acid conservation, physicochemical variation, residue mobility, and thermodynamic stability) indicates that this missense variant is not expected to disrupt COL1A1 protein function with a negative predictive value of 95%. In summary, the available evidence is currently insufficient to determine the role of this variant in disease. Therefore, it has been classified as a Variant of Uncertain Significance.

NM_000088.4(COL1A1):c.3377C>T (p.Pro1126Leu)

Gene: COL1A1 (collagen type I alpha 1 chain; minus strand). Cytogenetic location: 17q21.33.
Variant type: single nucleotide variant.
Coding change: c.3377C>T on transcript NM_000088.4 (MANE Select); coding-DNA position 3377, C replaced by T.
Protein change: p.Pro1126Leu; replaces proline 1126 with leucine.
Molecular consequence: missense variant.
Genome position (GRCh38, 1-based): chr17:50,187,530, G>A on the plus strand (C>T on the coding strand, the complement: COL1A1 is on the minus strand). VCF-style: chr17-50187530-G-A. GRCh37 (hg19) VCF-style: chr17-48264891-G-A.
Other names: short protein forms P1126L.
Identifiers: ClinVar variation 4800886 (VCV004800886.1).